The following is an entry in ClinVar:

ClinVar aggregate classification (germline): Benign/Likely benign. Review status: criteria provided, multiple submitters, no conflicts (2 of 4 stars). 3 submissions from 3 submitters: Benign (1); Likely benign (2). Last evaluated 2024-11-24.

Conditions:
Hereditary diffuse gastric adenocarcinoma (HDGC). Also called: DIFFUSE GASTRIC AND LOBULAR BREAST CANCER SYNDROME. Identifiers: Orphanet 26106, MedGen C1708349, MONDO:0007648, OMIM 137215.
Hereditary cancer-predisposing syndrome. Also called: Neoplastic Syndromes, Hereditary; Tumor predisposition; Hereditary Cancer Syndrome; Hereditary neoplastic syndrome. Identifiers: Orphanet 140162, MedGen C0027672, MeSH D009386, MONDO:0015356.

Submissions (3):

Ambry Genetics
Classification: Likely benign for Hereditary cancer-predisposing syndrome. Last evaluated: 2024-11-24. Review status: criteria provided, single submitter. Criteria: Ambry Variant Classification Scheme 2023. Collection method: clinical testing. Allele origin: germline.

Myriad Genetics, Inc.
Classification: Benign for Hereditary diffuse gastric adenocarcinoma. Last evaluated: 2024-09-17. Review status: criteria provided, single submitter. Criteria: Myriad Autosomal Dominant, Autosomal Recessive and X-Linked Classification Criteria (2023). Collection method: clinical testing. Allele origin: unknown.
Comment: This variant is considered benign. This variant is a silent/synonymous amino acid change and it is not expected to impact splicing.

Labcorp Genetics (formerly Invitae), Labcorp
Classification: Likely benign for Hereditary diffuse gastric adenocarcinoma. Last evaluated: 2024-06-26. Review status: criteria provided, single submitter. Criteria: Invitae Variant Classification Sherloc (09022015). Collection method: clinical testing. Allele origin: germline.

NM_004360.5(CDH1):c.1092A>C (p.Thr364=)

Gene: CDH1 (cadherin 1; plus strand). Cytogenetic location: 16q22.1.
Variant type: single nucleotide variant.
Coding change: c.1092A>C on transcript NM_004360.5 (MANE Select); coding-DNA position 1092, A replaced by C.
Protein change: p.Thr364=; no amino-acid change (threonine 364 retained).
Molecular consequence: synonymous variant. On other transcripts: 5 prime UTR variant (2).
Genome position (GRCh38, 1-based): chr16:68,812,218, A>C. VCF-style: chr16-68812218-A-C. GRCh37 (hg19) VCF-style: chr16-68846121-A-C.
Other names: c.1092A>C, p.Thr364= (NM_001317184.2); c.-524A>C (NM_001317185.2); c.-728A>C (NM_001317186.2); c.1092A>C (NM_004360.3).
Identifiers: ClinVar variation 1123373 (VCV001123373.11), dbSNP rs1960858246, ClinGen allele CA496153089.